The following is an entry in ClinVar:

ClinVar aggregate classification (germline): Likely benign (0 of 4 stars; one submission).

Conditions:
PRKACA-related disorder. Also called: PRKACA-related condition.

Allele frequency attached by ClinVar (database versions not stated): ExAC 0.00001; gnomAD 0.00001; gnomAD exomes 0.00001; TOPMed 0.00002.
gnomAD v4.1: 5 of 1,613,984 alleles (0.00031%); highest among the groups gnomAD compares: Admixed American, 0.0083%; no homozygotes.

Submission:

PreventionGenetics, part of Exact Sciences
Classification: Likely benign for PRKACA-related condition. Last evaluated: 2019-05-08. Review status: no assertion criteria provided. Collection method: clinical testing. Allele origin: germline.
Comment: This variant is classified as likely benign based on ACMG/AMP sequence variant interpretation guidelines (Richards et al. 2015 PMID: 25741868, with internal and published modifications).

NM_002730.4(PRKACA):c.732C>T (p.Pro244=)

Gene: PRKACA (protein kinase cAMP-activated catalytic subunit alpha; minus strand). Cytogenetic location: 19p13.12.
Variant type: single nucleotide variant.
Coding change: c.732C>T on transcript NM_002730.4 (MANE Select); coding-DNA position 732, C replaced by T.
Protein change: p.Pro244=; no amino-acid change (proline 244 retained).
Molecular consequence: synonymous variant.
Genome position (GRCh38, 1-based): chr19:14,097,394, G>A on the plus strand (C>T on the coding strand, the complement: PRKACA is on the minus strand). VCF-style: chr19-14097394-G-A. GRCh37 (hg19) VCF-style: chr19-14208206-G-A.
Other names: c.960C>T, p.Pro320= (NM_001304349.2); c.708C>T, p.Pro236= (NM_207518.3).
Identifiers: ClinVar variation 3038163 (VCV003038163.2), dbSNP rs776566422, ClinGen allele CA9249220.